The following is an entry in ClinVar:

ClinVar aggregate classification (germline): Uncertain significance. Review status: criteria provided, multiple submitters, no conflicts (2 of 4 stars). 2 submissions from 2 submitters: Uncertain significance (2). Last evaluated 2025-10-15.

Conditions:
Hereditary cancer-predisposing syndrome. Also called: Hereditary Cancer Syndrome; Tumor predisposition; Neoplastic Syndromes, Hereditary; Hereditary neoplastic syndrome. Identifiers: Orphanet 140162, MedGen C0027672, MeSH D009386, MONDO:0015356.
Hereditary pheochromocytoma and paraganglioma. Also called: Hereditary pheochromocytoma-paraganglioma; Hereditary paragangliomas and pheochromocytomas; Hereditary Paraganglioma-Pheochromocytoma Syndromes. Identifiers: Orphanet 29072, MedGen C4274332, MONDO:0017366.

Allele frequency attached by ClinVar (database versions not stated): TOPMed below 0.00001; gnomAD 0.00001; ESP Exome Variant Server 0.00008.
gnomAD v4.1: 9 of 1,613,106 alleles (0.00056%); highest among the groups gnomAD compares: Non-Finnish European, 0.00076%; no homozygotes.

Submissions (3):

Labcorp Genetics (formerly Invitae), Labcorp
Classification: Uncertain significance for Hereditary pheochromocytoma and paraganglioma. Last evaluated: 2025-10-15. Review status: criteria provided, single submitter. Criteria: Invitae Variant Classification Sherloc (09022015). Collection method: clinical testing. Allele origin: germline.
Comment: This sequence change replaces aspartic acid, which is acidic and polar, with glycine, which is neutral and non-polar, at codon 117 of the SDHAF2 protein (p.Asp117Gly). This variant is present in population databases (rs151040226, gnomAD 0.002%). This variant has not been reported in the literature in individuals affected with SDHAF2-related conditions. ClinVar contains an entry for this variant (Variation ID: 823866). An algorithm developed to predict the effect of missense changes on protein structure and function (PolyPhen-2) suggests that this variant is likely to be tolerated. In summary, the available evidence is currently insufficient to determine the role of this variant in disease. Therefore, it has been classified as a Variant of Uncertain Significance.

Ambry Genetics
Classification: Uncertain significance for Hereditary cancer-predisposing syndrome. Last evaluated: 2024-07-11. Review status: criteria provided, single submitter. Criteria: Ambry Variant Classification Scheme 2023. Collection method: clinical testing. Allele origin: germline.
Comment: The p.D117G variant (also known as c.350A>G), located in coding exon 3 of the SDHAF2 gene, results from an A to G substitution at nucleotide position 350. The aspartic acid at codon 117 is replaced by glycine, an amino acid with similar properties. This amino acid position is well conserved in available vertebrate species. In addition, this alteration is predicted to be deleterious by in silico analysis. Since supporting evidence is limited at this time, the clinical significance of this alteration remains unclear.

Dr. Peter K. Rogan Lab, Western University
No classification provided (evidence only). Condition: Ovarian serous cystadenocarcinoma. Review status: no classification provided. Collection method: in vitro. Allele origin: not applicable. Functional consequence: retained intron. Not counted in ClinVar's aggregate classification.

NM_017841.4(SDHAF2):c.350A>G (p.Asp117Gly)

Gene: SDHAF2 (succinate dehydrogenase complex assembly factor 2; plus strand). Cytogenetic location: 11q12.2.
Variant type: single nucleotide variant.
Coding change: c.350A>G on transcript NM_017841.4 (MANE Select); coding-DNA position 350, A replaced by G.
Protein change: p.Asp117Gly; replaces aspartic acid 117 with glycine.
Molecular consequence: missense variant.
Genome position (GRCh38, 1-based): chr11:61,438,093, A>G. VCF-style: chr11-61438093-A-G. GRCh37 (hg19) VCF-style: chr11-61205565-A-G.
Other names: short protein forms D117G.
Identifiers: ClinVar variation 823866 (VCV000823866.14), dbSNP rs151040226, ClinGen allele CA058529.